The following is an entry in ClinVar:

NM_001379500.1(COL18A1):c.107-11706C>A

Gene: COL18A1 (collagen type XVIII alpha 1 chain; plus strand). Cytogenetic location: 21q22.3.
Variant type: single nucleotide variant.
Coding change: c.107-11706C>A on transcript NM_001379500.1 (MANE Select); 11706 bases into the intron before coding-DNA position 107, C replaced by A.
Molecular consequence: intron variant. On other transcripts: missense variant (1).
Genome position (GRCh38, 1-based): chr21:45,456,536, C>A. VCF-style: chr21-45456536-C-A. GRCh37 (hg19) VCF-style: chr21-46876450-C-A.
Other names: c.1006C>A, p.Pro336Thr (NM_130444.3); c.646+360C>A (NM_030582.4); short protein forms P336T.
Identifiers: ClinVar variation 3339378 (VCV003339378.1).
Genomic context (GRCh38, chr21:45,456,536, plus strand): 5'-CTTGCTAATAACTCTGCCCTGCTCGGGGCTGACCCCGAGGCCCCCGCCGGTCGCTGCCTG[C>A]CCCTGCCACCCTCCCTGCCAGTCTGCGGCCACCTGGGCATCTCACGCTTCTGGCTGCCCA-3'

ClinVar aggregate classification (germline): Likely benign (1 of 4 stars; one submission).

gnomAD v4.1: 4 of 1,548,180 alleles (0.00026%); highest among the groups gnomAD compares: Admixed American, 0.0079%; no homozygotes.

Submission:

Women's Health and Genetics/Laboratory Corporation of America, LabCorp
Classification: Likely benign. Last evaluated: 2024-07-23. Review status: criteria provided, single submitter. Criteria: LabCorp Variant Classification Summary - May 2015. Collection method: clinical testing. Allele origin: germline.
Comment: Variant summary: COL18A1 c.107-11706C>A is located at a position not widely known to affect splicing. Consensus agreement among computation tools predict no significant impact on normal splicing. However, these predictions have yet to be confirmed by functional studies. The variant allele was found at a frequency of 2e-05 in 147840 control chromosomes. The available data on variant occurrences in the general population are insufficient to allow any conclusion about variant significance. To our knowledge, no occurrence of c.107-11706C>A in individuals affected with Knobloch Syndrome 1 and no experimental evidence demonstrating its impact on protein function have been reported. No submitters have cited clinical-significance assessments for this variant to ClinVar. Based on the evidence outlined above, the variant was classified as likely benign.